The following is an entry in ClinVar:

ClinVar aggregate classification (germline): Uncertain significance (1 of 4 stars; one submission).

Conditions:
Baller-Gerold syndrome (BGS). Also called: CRANIOSYNOSTOSIS WITH RADIAL DEFECTS. Identifiers: Orphanet 1225, MedGen C0265308, MONDO:0009039, OMIM 218600.

Allele frequency attached by ClinVar (database versions not stated): ExAC 0.00001; gnomAD 0.00001; gnomAD exomes 0.00001; TOPMed 0.00001.
gnomAD v4.1: 5 of 1,612,474 alleles (0.00031%); highest among the groups gnomAD compares: East Asian, 0.0022%; no homozygotes.

Submission:

Labcorp Genetics (formerly Invitae), Labcorp
Classification: Uncertain significance for Baller-Gerold syndrome. Last evaluated: 2025-02-24. Review status: criteria provided, single submitter. Criteria: Invitae Variant Classification Sherloc (09022015). Collection method: clinical testing. Allele origin: germline.
Comment: This sequence change replaces leucine, which is neutral and non-polar, with proline, which is neutral and non-polar, at codon 1190 of the RECQL4 protein (p.Leu1190Pro). This variant is present in population databases (rs752487649, gnomAD 0.003%). This variant has not been reported in the literature in individuals affected with RECQL4-related conditions. ClinVar contains an entry for this variant (Variation ID: 459492). Invitae Evidence Modeling of protein sequence and biophysical properties (such as structural, functional, and spatial information, amino acid conservation, physicochemical variation, residue mobility, and thermodynamic stability) indicates that this missense variant is expected to disrupt RECQL4 protein function with a positive predictive value of 80%. In summary, the available evidence is currently insufficient to determine the role of this variant in disease. Therefore, it has been classified as a Variant of Uncertain Significance.

NM_004260.4(RECQL4):c.3569T>C (p.Leu1190Pro)

Gene: RECQL4 (RecQ like helicase 4; minus strand). Cytogenetic location: 8q24.3.
Variant type: single nucleotide variant.
Coding change: c.3569T>C on transcript NM_004260.4 (MANE Select); coding-DNA position 3569, T replaced by C.
Protein change: p.Leu1190Pro; replaces leucine 1190 with proline.
Molecular consequence: missense variant.
Genome position (GRCh38, 1-based): chr8:144,511,489, A>G on the plus strand (T>C on the coding strand, the complement: RECQL4 is on the minus strand). VCF-style: chr8-144511489-A-G. GRCh37 (hg19) VCF-style: chr8-145736872-A-G.
Other names: short protein forms L1190P.
Identifiers: ClinVar variation 459492 (VCV000459492.9), dbSNP rs752487649, ClinGen allele CA4947642.
Genomic context (GRCh38, chr8:144,511,489, plus strand): 5'-AGTCAGCGGGCCACCTGCAGGAGCTCTTCCGTGGCCAGGCCCACCAGGGCATGGAAGCTC[A>G]GGTGCAGGTATTTTCTCCAGAAGCGTCGGTCCTGCCCGTACACCTGGGCCGGGTAGCAGG-3'
Protein context (NP_004251.4, residues 1180-1200): DRRFWRKYLH[Leu1190Pro]SFHALVGLAT